The following is an entry in ClinVar:

ClinVar aggregate classification (germline): Uncertain significance (1 of 4 stars; one submission).

Submission:

Labcorp Genetics (formerly Invitae), Labcorp
Classification: Uncertain significance. Last evaluated: 2022-06-04. Review status: criteria provided, single submitter. Criteria: Invitae Variant Classification Sherloc (09022015). Collection method: clinical testing. Allele origin: germline.
Comment: This sequence change replaces glutamic acid, which is acidic and polar, with aspartic acid, which is acidic and polar, at codon 116 of the DNAAF4 protein (p.Glu116Asp). This variant is not present in population databases (gnomAD no frequency). This variant has not been reported in the literature in individuals affected with DNAAF4-related conditions. ClinVar contains an entry for this variant (Variation ID: 938448). Algorithms developed to predict the effect of missense changes on protein structure and function are either unavailable or do not agree on the potential impact of this missense change (SIFT: "Tolerated"; PolyPhen-2: "Possibly Damaging"; Align-GVGD: "Class C0"). In summary, the available evidence is currently insufficient to determine the role of this variant in disease. Therefore, it has been classified as a Variant of Uncertain Significance.

NM_130810.4(DNAAF4):c.348A>C (p.Glu116Asp)

Genes: DNAAF4 (dynein axonemal assembly factor 4; minus strand), DNAAF4-CCPG1 (DNAAF4-CCPG1 readthrough (NMD candidate); minus strand). Cytogenetic location: 15q21.3.
Variant type: single nucleotide variant.
Coding change: c.348A>C on transcript NM_130810.4 (MANE Select); coding-DNA position 348, A replaced by C.
Protein change: p.Glu116Asp; replaces glutamic acid 116 with aspartic acid.
Molecular consequence: missense variant. On other transcripts: non-coding transcript variant (1).
Genome position (GRCh38, 1-based): chr15:55,491,180, T>G on the plus strand (A>C on the coding strand, the complement: DNAAF4 is on the minus strand). VCF-style: chr15-55491180-T-G. GRCh37 (hg19) VCF-style: chr15-55783378-T-G.
Other names: c.348A>C, p.Glu116Asp (NM_001033559.3, NM_001033560.2); short protein forms E116D.
Identifiers: ClinVar variation 938448 (VCV000938448.9), dbSNP rs2058566517, ClinGen allele CA392551486.